The following is an entry in ClinVar:

NM_004360.5(CDH1):c.164-18G>A

Gene: CDH1 (cadherin 1; plus strand). Cytogenetic location: 16q22.1.
Variant type: single nucleotide variant.
Coding change: c.164-18G>A on transcript NM_004360.5 (MANE Select); 18 bases into the intron before coding-DNA position 164, G replaced by A.
Molecular consequence: intron variant.
Genome position (GRCh38, 1-based): chr16:68,801,652, G>A. VCF-style: chr16-68801652-G-A. GRCh37 (hg19) VCF-style: chr16-68835555-G-A.
Other names: c.-1452-18G>A (NM_001317185.2); c.-1656-18G>A (NM_001317186.2); c.164-18G>A (NM_001317184.2).
Identifiers: ClinVar variation 3378493 (VCV003378493.1).

ClinVar aggregate classification (germline): Likely benign (1 of 4 stars; one submission).

Conditions:
Hereditary diffuse gastric adenocarcinoma (HDGC). Also called: DIFFUSE GASTRIC AND LOBULAR BREAST CANCER SYNDROME. Identifiers: Orphanet 26106, MedGen C1708349, MONDO:0007648, OMIM 137215.

gnomAD v4.1: 1 of 1,600,062 alleles (0.000062%); highest among the groups gnomAD compares: East Asian, 0.0022%; no homozygotes.

Submission:

Myriad Genetics, Inc.
Classification: Likely benign for Hereditary diffuse gastric adenocarcinoma. Last evaluated: 2024-09-12. Review status: criteria provided, single submitter. Criteria: Myriad Autosomal Dominant, Autosomal Recessive and X-Linked Classification Criteria (2023). Collection method: clinical testing. Allele origin: unknown.
Comment: This variant is considered likely benign. This variant is intronic and is not expected to impact mRNA splicing.